The following is an entry in ClinVar:

NM_001130438.3(SPTAN1):c.4490A>C (p.Gln1497Pro)

Gene: SPTAN1 (spectrin alpha, non-erythrocytic 1; plus strand). Cytogenetic location: 9q34.11.
Variant type: single nucleotide variant.
Coding change: c.4490A>C on transcript NM_001130438.3 (MANE Select); coding-DNA position 4490, A replaced by C.
Protein change: p.Gln1497Pro; replaces glutamine 1497 with proline.
Molecular consequence: missense variant.
Genome position (GRCh38, 1-based): chr9:128,608,275, A>C. VCF-style: chr9-128608275-A-C. GRCh37 (hg19) VCF-style: chr9-131370554-A-C.
Other names: c.4430A>C, p.Gln1477Pro (NM_001195532.2, NM_001363765.2, NM_001375314.2); c.4490A>C, p.Gln1497Pro (NM_001363759.2, NM_001375310.1, NM_001375311.2 and 2 more transcripts); c.4526A>C, p.Gln1509Pro (NM_001375312.2, NM_001375318.1); short protein forms Q1477P, Q1497P, Q1509P.
Identifiers: ClinVar variation 971650 (VCV000971650.10), dbSNP rs1856150338, ClinGen allele CA375067462.
Genomic context (GRCh38, chr9:128,608,275, plus strand): 5'-TGGACAGCGTAGAGGCTCTGATCAAAAAACATGAAGACTTTGACAAAGCGATTAACGTCC[A>C]GGTGAGGCCTCTGGACCATGGAGTTGGAGTCTGGATTTTTCCTGATTGACATCTGTTTCT-3'
Protein context (NP_001123910.1, residues 1487-1507): HEDFDKAINV[Gln1497Pro]EEKIAALQAF

ClinVar aggregate classification (germline): Uncertain significance (1 of 4 stars; one submission).

Conditions:
Early-infantile DEE. Also called: Ohtahara syndrome; Early infantile epileptic encephalopathy with suppression bursts; Early infantile epileptic encephalopathy. Identifiers: Orphanet 1934, MedGen C0393706, MONDO:0800491.

Submission:

Labcorp Genetics (formerly Invitae), Labcorp
Classification: Uncertain significance for Early-infantile DEE. Last evaluated: 2019-10-08. Review status: criteria provided, single submitter. Criteria: Invitae Variant Classification Sherloc (09022015). Collection method: clinical testing. Allele origin: germline.
Comment: In summary, the available evidence is currently insufficient to determine the role of this variant in disease. Therefore, it has been classified as a Variant of Uncertain Significance. This variant has not been reported in the literature in individuals with SPTAN1-related conditions. This variant is not present in population databases (ExAC no frequency). This sequence change replaces glutamine with proline at codon 1497 of the SPTAN1 protein (p.Gln1497Pro). The glutamine residue is highly conserved and there is a moderate physicochemical difference between glutamine and proline.